The following is an entry in ClinVar:

ClinVar aggregate classification (germline): Uncertain significance. Review status: criteria provided, multiple submitters, no conflicts (2 of 4 stars). 6 submissions from 6 submitters: Uncertain significance (5). 1 of the submissions does not count toward it. Last evaluated 2026-04-22.

Conditions:
Meckel syndrome, type 5 (MKS5). Identifiers: Orphanet 564, MedGen C1969052, MONDO:0012695, OMIM 611561.
Joubert syndrome 7 (JBTS7). Identifiers: Orphanet 220497, MedGen C1969053, MONDO:0012694, OMIM 611560.
COACH syndrome 3. Identifiers: MedGen C5436841, MONDO:0030862, OMIM 619113.
RPGRIP1L-related disorder. Also called: RPGRIP1L-related condition; RPGRIP1L-related disorders. Identifiers: MedGen CN239416.
Joubert syndrome. Also called: JOUBERT-BOLTSHAUSER SYNDROME; Familial aplasia of the vermis. Identifiers: Orphanet 475, MedGen C5979921, MONDO:0018772.
Meckel-Gruber syndrome. Also called: GRUBER SYNDROME; DYSENCEPHALIA SPLANCHNOCYSTICA; Dysencephalia splachnocystica. Identifiers: Orphanet 564, MedGen C0265215, MONDO:0018921.

Allele frequency attached by ClinVar (database versions not stated): TOPMed 0.00005; ExAC 0.00006; gnomAD exomes 0.00006 and 0.00011; gnomAD 0.00009; ESP Exome Variant Server 0.00015; 1000 Genomes Project 0.00020; 1000 Genomes Project 30x 0.00031.
gnomAD v4.1: 171 of 1,613,608 alleles (0.011%); highest among the groups gnomAD compares: Middle Eastern, 0.033%; no homozygotes.

Submissions (6):

PreventionGenetics, part of Exact Sciences
Classification: Uncertain significance for RPGRIP1L-related condition. Last evaluated: 2026-04-22. Review status: criteria provided, single submitter. Criteria: ACMG Guidelines, 2015. Collection method: clinical testing. Allele origin: germline.
Comment: The RPGRIP1L c.2932G>A variant is predicted to result in the amino acid substitution p.Val978Met. This variant was reported in one individual with inherited retinal degeneration (Supplementary Table 1. Weisschuh et al. 2024. PubMed ID: 37734845). This variant is reported in 0.011% of alleles in individuals of Latino descent in gnomAD. At this time, the clinical significance of this variant is uncertain due to the absence of conclusive functional and genetic evidence.

Blueprint Genetics
Classification: Uncertain significance. Last evaluated: 2024-11-27. Review status: criteria provided, single submitter. Criteria: ACMG Guidelines, 2015. Collection method: clinical testing. Allele origin: germline.

Fulgent Genetics
Classification: Uncertain significance for Joubert syndrome 7; Meckel syndrome, type 5; COACH syndrome 3. Last evaluated: 2024-05-24. Review status: criteria provided, single submitter. Criteria: ACMG Guidelines, 2015. Collection method: clinical testing. Allele origin: germline.

Labcorp Genetics (formerly Invitae), Labcorp
Classification: Uncertain significance for Joubert syndrome; Meckel-Gruber syndrome. Last evaluated: 2022-08-21. Review status: criteria provided, single submitter. Criteria: Invitae Variant Classification Sherloc (09022015). Collection method: clinical testing. Allele origin: germline.
Comment: This sequence change replaces valine, which is neutral and non-polar, with methionine, which is neutral and non-polar, at codon 978 of the RPGRIP1L protein (p.Val978Met). This variant is present in population databases (rs367845452, gnomAD 0.01%). This variant has not been reported in the literature in individuals affected with RPGRIP1L-related conditions. ClinVar contains an entry for this variant (Variation ID: 530904). Algorithms developed to predict the effect of missense changes on protein structure and function output the following: SIFT: "Tolerated"; PolyPhen-2: "Benign"; Align-GVGD: "Class C0". The methionine amino acid residue is found in multiple mammalian species, which suggests that this missense change does not adversely affect protein function. In summary, the available evidence is currently insufficient to determine the role of this variant in disease. Therefore, it has been classified as a Variant of Uncertain Significance.

Baylor Genetics
Classification: Uncertain significance for Meckel syndrome, type 5. Last evaluated: 2019-09-19. Review status: criteria provided, single submitter. Criteria: ACMG Guidelines, 2015. Collection method: clinical testing. Allele origin: unknown. Affected: yes.
Comment: This variant was determined to be of uncertain significance according to ACMG Guidelines, 2015 [PMID:25741868].

Natera, Inc.
Classification: Uncertain significance for Joubert syndrome. Last evaluated: 2020-03-09. Review status: no assertion criteria provided. Collection method: clinical testing. Allele origin: germline. Not counted in ClinVar's aggregate classification.

NM_015272.5(RPGRIP1L):c.2932G>A (p.Val978Met)

Gene: RPGRIP1L (RPGRIP1 like; minus strand). Cytogenetic location: 16q12.2.
Variant type: single nucleotide variant.
Coding change: c.2932G>A on transcript NM_015272.5 (MANE Select); coding-DNA position 2932, G replaced by A.
Protein change: p.Val978Met; replaces valine 978 with methionine.
Molecular consequence: missense variant.
Genome position (GRCh38, 1-based): chr16:53,641,059, C>T on the plus strand (G>A on the coding strand, the complement: RPGRIP1L is on the minus strand). VCF-style: chr16-53641059-C-T. GRCh37 (hg19) VCF-style: chr16-53674971-C-T.
Other names: c.2932G>A, p.Val978Met (NM_001127897.4, NM_001308334.3, NM_001330538.2); c.2932G>A (NM_015272.4); short protein forms V978M.
Identifiers: ClinVar variation 530904 (VCV000530904.15), dbSNP rs367845452, ClinGen allele CA8057417.